The following continues an entry in ClinVar:

NM_152419.3(HGSNAT):c.1843G>A (p.Ala615Thr)

Gene: HGSNAT. ClinVar aggregate classification (germline): Conflicting classifications of pathogenicity. Pathogenic (7); Likely pathogenic (3); Uncertain significance (5); Benign (2); Likely benign (5).

Submissions 5 to 27 of 29:

CeGaT Center for Human Genetics Tuebingen
Classification: Likely benign. Last evaluated: 2026-04-01. Review status: criteria provided, single submitter. Criteria: CeGaT Center For Human Genetics Tuebingen Variant Classification Criteria Version 2. Collection method: clinical testing. Allele origin: germline. Affected: yes. Observed: 5 variant alleles.
Comment: HGSNAT: BS2

Labcorp Genetics (formerly Invitae), Labcorp
Classification: Pathogenic for Retinitis pigmentosa 73; Mucopolysaccharidosis, MPS-III-C. Last evaluated: 2026-02-04. Review status: criteria provided, single submitter. Criteria: Invitae Variant Classification Sherloc (09022015). Collection method: clinical testing. Allele origin: germline.
Comment: This sequence change replaces alanine, which is neutral and non-polar, with threonine, which is neutral and polar, at codon 615 of the HGSNAT protein (p.Ala615Thr). This variant is present in population databases (rs112029032, gnomAD 1.5%), and has an allele count higher than expected for a pathogenic variant. This missense change has been observed in individual(s) with retinal dystrophy and may be associated with milder and/or later onset when homozygous or in trans from certain HGSNAT variants (PMID: 17033958, 19479962, 19823584, 20583299, 25859010, 27608171, 28981474, 31228227, 32770643, 33576794, 34795310; internal data). In at least one individual the data is consistent with being in trans (on the opposite chromosome) from a pathogenic variant. This variant is also known as A643T. ClinVar contains an entry for this variant (Variation ID: 208816). Invitae Evidence Modeling of protein sequence and biophysical properties (such as structural, functional, and spatial information, amino acid conservation, physicochemical variation, residue mobility, and thermodynamic stability) has been performed for this missense variant. However, the output from this modeling did not meet the statistical confidence thresholds required to predict the impact of this variant on HGSNAT protein function. Experimental studies are conflicting or provide insufficient evidence to determine the effect of this variant on HGSNAT function (PMID: 19479962, 19823584, 20583299). For these reasons, this variant has been classified as Pathogenic.

Genetics Laboratory, Great Ormond Street Hospital NHS Foundation Trust, North Thames Genomic Laboratory Hub
Classification: Uncertain significance for Retinal disorders. Last evaluated: 2025-11-22. Review status: criteria provided, single submitter. Criteria: ACGS Best Practice Guidelines for Variant Classification in Rare Disease 2024 v1.2. Collection method: clinical testing. Allele origin: germline. Affected: yes.
Comment: BS2_strong, PM3_strong, PP4_strong

GeneDx
Classification: Pathogenic. Last evaluated: 2025-11-19. Review status: criteria provided, single submitter. Criteria: GeneDx Variant Classification Process June 2021. Collection method: clinical testing. Allele origin: germline. Affected: yes.
Comment: Identified as homozygous with another homozygous variant in HGSNAT in a patient with MPS IIIC (PMID: 20583299); In silico analysis supports that this missense variant has a deleterious effect on protein structure/function; This variant is associated with the following publications: (PMID: 34426522, 19479962, 17033958, 28041643, 27608171, 34580245, 29144512, 28981474, 32581362, 34758253, 25859010, 31456290, 33576794, 33851411, 36819107, 34326763, 34795310, 32770643, 38815792, 38219857, 39062705, 37592806, 37798099, 19823584, 20583299)

Institute of Human Genetics, University of Leipzig Medical Center
Classification: Likely pathogenic for Retinitis pigmentosa 73. Last evaluated: 2025-09-05. Review status: criteria provided, single submitter. Criteria: ACMG Guidelines, 2015. Collection method: clinical testing. Allele origin: unknown. Inheritance: Autosomal recessive inheritance. Affected: yes.
Comment: Criteria applied: PS3,PM3_STR; Identified as compund heterozygous with NM_152419.3:c.1622C>T

Blueprint Genetics
Classification: Pathogenic for HGSNAT-related disorders. Last evaluated: 2024-11-25. Review status: criteria provided, single submitter. Criteria: ACMG Guidelines, 2015. Collection method: clinical testing. Allele origin: germline. Affected: yes. Observed: 5 variant alleles.

ARUP Laboratories, Molecular Genetics and Genomics, ARUP Laboratories
Classification: Likely benign. Last evaluated: 2023-10-26. Review status: criteria provided, single submitter. Criteria: ARUP Molecular Germline Variant Investigation Process 2024. Collection method: clinical testing. Allele origin: germline.

Mayo Clinic Laboratories, Mayo Clinic
Classification: Uncertain significance. Last evaluated: 2023-03-01. Review status: criteria provided, single submitter. Criteria: ACMG Guidelines, 2015. Collection method: clinical testing. Allele origin: germline. Observed: 4 variant alleles.
Comment: BS1

MGZ Medical Genetics Center
Classification: Uncertain significance for Retinitis pigmentosa 73. Last evaluated: 2022-01-31. Review status: criteria provided, single submitter. Criteria: ACMG Guidelines, 2015. Collection method: clinical testing. Allele origin: germline. Affected: yes. Observed: 1 variant allele.
Comment: ACMG criteria applied: PS3, PM3, BS1_SUP, BS2_SUP, BS3_SUP, BP4

Institute of Human Genetics, Univ. Regensburg, Univ. Regensburg
Classification: Uncertain significance for Retinal dystrophy. Last evaluated: 2022-01-01. Review status: criteria provided, single submitter. Criteria: ACMG Guidelines, 2015. Collection method: clinical testing. Allele origin: germline. Affected: yes.

Genetics and Molecular Pathology, SA Pathology
Classification: Pathogenic for Retinitis pigmentosa 73. Last evaluated: 2021-07-26. Review status: criteria provided, single submitter. Criteria: ACMG Guidelines, 2015. Collection method: clinical testing. Allele origin: germline. Affected: yes.

Broad Center for Mendelian Genomics, Broad Institute of MIT and Harvard
Classification: Likely pathogenic for Retinitis pigmentosa. Last evaluated: 2021-04-01. Review status: criteria provided, single submitter. Criteria: ACMG Guidelines, 2015. Collection method: curation. Allele origin: germline. Inheritance: Autosomal recessive inheritance. Affected: yes.
Comment: Through a review of available evidence we were able to apply the following criteria: PS3, PM3. Based on this evidence we have classified this variant as Likely Pathogenic. If you have any questions about the classification please reach out to the Pierce Lab.

Dubai Health Genomic Medicine Center, Dubai Health
Classification: Benign. Last evaluated: 2020-06-25. Review status: criteria provided, single submitter. Criteria: ACMG Guidelines, 2015. Collection method: clinical testing. Allele origin: germline. Affected: yes.

Centre for Mendelian Genomics, University Medical Centre Ljubljana
Classification: Uncertain significance for Retinitis pigmentosa 73. Last evaluated: 2019-12-17. Review status: criteria provided, single submitter. Criteria: ACMG Guidelines, 2015. Collection method: clinical testing. Allele origin: unknown. Affected: yes.
Comment: This variant was classified as: Uncertain significance. The available evidence on this variant's pathogenicity is insufficient or conflicting. The following ACMG criteria were applied in classifying this variant: BP4.

Mendelics
Classification: Likely benign for Mucopolysaccharidosis, MPS-III-C. Last evaluated: 2019-05-28. Review status: criteria provided, single submitter. Criteria: Mendelics Assertion Criteria 2017. Collection method: clinical testing. Allele origin: unknown.

Eurofins Ntd Llc (ga)
Classification: Benign. Last evaluated: 2017-09-26. Review status: criteria provided, single submitter. Criteria: EGL Classification Definitions 2015. Collection method: clinical testing. Allele origin: germline. Observed: 4 variant alleles, 4 heterozygotes.

Illumina Laboratory Services, Illumina
Classification: Likely benign for Mucopolysaccharidosis, MPS-III-C. Last evaluated: 2017-04-27. Review status: criteria provided, single submitter. Criteria: ICSL Variant Classification Criteria 13 December 2019. Collection method: clinical testing. Allele origin: germline.
Comment: This variant was observed as part of a predisposition screen in an ostensibly healthy population. A literature search was performed for the gene, cDNA change, and amino acid change (where applicable). Publications were found based on this search. The evidence from the literature, in combination with allele frequency data from public databases where available, was sufficient to determine this variant is unlikely to cause disease. Therefore, this variant is classified as likely benign.

Center for Pediatric Genomic Medicine, Children's Mercy Hospital and Clinics
Classification: Likely benign. Last evaluated: 2015-10-09. Review status: criteria provided, single submitter. Criteria: ACMG Guidelines, 2015. Collection method: clinical testing. Allele origin: germline.
ClinVar note: Converted during submission from Likely Benign to Likely benign.

Natera, Inc.
Classification: Benign for Mucopolysaccharidosis type IIIC. Last evaluated: 2020-06-22. Review status: no assertion criteria provided. Collection method: clinical testing. Allele origin: germline. Not counted in ClinVar's aggregate classification.

Sharon lab, Hadassah-Hebrew University Medical Center
Classification: Pathogenic for Retinitis pigmentosa. Last evaluated: 2019-06-23. Review status: no assertion criteria provided. Collection method: research. Allele origin: inherited. Affected: yes. Not counted in ClinVar's aggregate classification.

OMIM
Classification: Pathogenic for RETINITIS PIGMENTOSA 73. Last evaluated: 2015-07-01. Review status: no assertion criteria provided. Collection method: literature only. Allele origin: germline. Not counted in ClinVar's aggregate classification.

OMIM
Classification: Pathogenic for MUCOPOLYSACCHARIDOSIS, TYPE IIIC. Last evaluated: 2015-07-01. Review status: no assertion criteria provided. Collection method: literature only. Allele origin: germline. Not counted in ClinVar's aggregate classification.

NIHR Bioresource Rare Diseases, University of Cambridge
Classification: Likely pathogenic for Retinal dystrophy. Last evaluated: 2015-01-01. Review status: no assertion criteria provided. Collection method: research. Allele origin: unknown. Affected: yes. Observed: 2 variant alleles. Not counted in ClinVar's aggregate classification.